The following is an entry in ClinVar:

ClinVar aggregate classification (germline): Pathogenic (1 of 4 stars; one submission).

Conditions:
Mucopolysaccharidosis, MPS-II (MPS2). Also called: Hunter Syndrome; IDURONATE 2-SULFATASE DEFICIENCY; Mucopolysaccharidosis Type II; Mucopolysaccharidosis type 2; Attenuated MPS (subtype; formerly known as mild MPS II); Severe MPS II. Identifiers: Orphanet 580, Orphanet 79388, MedGen C0026705, MONDO:0010674, OMIM 309900.

Submission:

Laboratory of Diagnosis and Therapy of Lysosomal Disorders, University of Padova
Classification: Pathogenic for Mucopolysaccharidosis, MPS-II. Last evaluated: 2024-06-07. Review status: criteria provided, single submitter. Criteria: ACMG Guidelines, 2015. Collection method: literature only. Allele origin: germline. Affected: yes. Observed: 1 variant allele.
Comment: Null variant (PVS1_Strong), Absent from controls (or at low frequency) in gnomAD database (PM2_Moderate), Patient’s phenotype or family history highly specific for the disease (PP4_Strong)

Classification method: ACMG Guidelines [PMID:25741868] with modifications

Literature cited by the submitters: PubMed 8940265.

NM_000202.8(IDS):c.1567dup (p.Tyr523fs)

Gene: IDS (iduronate 2-sulfatase; minus strand). Cytogenetic location: Xq28.
Variant type: Duplication.
Coding change: c.1567dup on transcript NM_000202.8 (MANE Select); coding-DNA position 1567, one base duplicated (T; older notation c.1567dupT).
Protein change: p.Tyr523fs; shifts the reading frame from tyrosine 523.
Molecular consequence: frameshift variant.
Genome position (GRCh38, 1-based): chrX:149,482,832, A duplicated on the plus strand (T on the coding strand, the reverse complement: IDS is on the minus strand). VCF-style (leftmost placement, unchanged base first): chrX-149482831-T-TA. GRCh37 (hg19) VCF-style: chrX-148564362-T-TA.
Other names: c.1297dup, p.Tyr433fs (NM_001166550.4); short protein forms Y433fs, Y523fs.
Identifiers: ClinVar variation 3256086 (VCV003256086.2).